The following continues an entry in ClinVar:

NM_002016.2(FLG):c.1501C>T (p.Arg501Ter)

ClinVar aggregate classification (germline): Pathogenic/Likely pathogenic. Pathogenic (39); Likely pathogenic (3).

Submissions 53 to 54 of 54:

Genomics England Pilot Project, Genomics England
Classification: Pathogenic for Ichthyosis vulgaris. Review status: no assertion criteria provided. Criteria: ACGS Guidelines, 2016. Collection method: clinical testing. Allele origin: germline. Affected: yes. Not counted in ClinVar's aggregate classification.

Joint Genome Diagnostic Labs from Nijmegen and Maastricht, Radboudumc and MUMC+
Classification: Pathogenic. Review status: no assertion criteria provided. Collection method: clinical testing. Allele origin: germline. Affected: yes. Study: VKGL Data-share Consensus. Not counted in ClinVar's aggregate classification.

Literature cited by the submitters: PubMed 16444271 (cited by 12 submitters); PubMed 16550169 (cited by 7 submitters); PubMed 16815158 (cited by 5 submitters); PubMed 2579164 (cited by Rady Children's Institute for Genomic Medicine, Rady Children's Hospital San Diego); PubMed 18325573 (cited by Rady Children's Institute for Genomic Medicine, Rady Children's Hospital San Diego and Laboratory for Molecular Medicine, Mass General Brigham Personalized Medicine); PubMed 19501237 (cited by 3 submitters); PubMed 19839980 (cited by 3 submitters); PubMed 20222934 (cited by Rady Children's Institute for Genomic Medicine, Rady Children's Hospital San Diego); PubMed 21428977 (cited by Rady Children's Institute for Genomic Medicine, Rady Children's Hospital San Diego); PubMed 21747615 (cited by Rady Children's Institute for Genomic Medicine, Rady Children's Hospital San Diego); PubMed 22403702 (cited by Rady Children's Institute for Genomic Medicine, Rady Children's Hospital San Diego and Laboratory for Molecular Medicine, Mass General Brigham Personalized Medicine); PubMed 23301728 (cited by Rady Children's Institute for Genomic Medicine, Rady Children's Hospital San Diego); PubMed 23562412 (cited by Rady Children's Institute for Genomic Medicine, Rady Children's Hospital San Diego); PubMed 24608987 (cited by Rady Children's Institute for Genomic Medicine, Rady Children's Hospital San Diego); PubMed 27667308 (cited by Rady Children's Institute for Genomic Medicine, Rady Children's Hospital San Diego and Variantyx, Inc.); PubMed 27678121 (cited by Rady Children's Institute for Genomic Medicine, Rady Children's Hospital San Diego); PubMed 27793761 (cited by Rady Children's Institute for Genomic Medicine, Rady Children's Hospital San Diego and Variantyx, Inc.); PubMed 31642606 (cited by Rady Children's Institute for Genomic Medicine, Rady Children's Hospital San Diego); PubMed 36751330 (cited by Rady Children's Institute for Genomic Medicine, Rady Children's Hospital San Diego); PubMed 19538357 (cited by Variantyx, Inc.); PubMed 17417636 (cited by Ambry Genetics); PubMed 32018027 (cited by Ambry Genetics); PubMed 17291859 (cited by Victorian Clinical Genetics Services, Murdoch Childrens Research Institute); PubMed 30681730 (cited by Victorian Clinical Genetics Services, Murdoch Childrens Research Institute); PubMed 32066784 (cited by Victorian Clinical Genetics Services, Murdoch Childrens Research Institute); PubMed 32325630 (cited by Victorian Clinical Genetics Services, Murdoch Childrens Research Institute); PubMed 31365035 (cited by Pittsburgh Clinical Genomics Laboratory, University of Pittsburgh Medical Center); PubMed 24920311 (cited by Pittsburgh Clinical Genomics Laboratory, University of Pittsburgh Medical Center and Illumina Laboratory Services, Illumina); PubMed 22164253 (cited by Pittsburgh Clinical Genomics Laboratory, University of Pittsburgh Medical Center); PubMed 17030239 (cited by 3 submitters); PubMed 27279822 (cited by Illumina Laboratory Services, Illumina); PubMed 27363669 (cited by Illumina Laboratory Services, Illumina); PubMed 3163778 (cited by Illumina Laboratory Services, Illumina); PubMed 31637781 (cited by Illumina Laboratory Services, Illumina); PubMed 19874431 (cited by Laboratory for Molecular Medicine, Mass General Brigham Personalized Medicine); PubMed 23947670 (cited by Laboratory for Molecular Medicine, Mass General Brigham Personalized Medicine); PubMed 21514438 (cited by Laboratory for Molecular Medicine, Mass General Brigham Personalized Medicine).